The following is an entry in ClinVar:

ClinVar aggregate classification (germline): Conflicting classifications of pathogenicity. Review status: criteria provided, conflicting classifications (1 of 4 stars). 6 submissions from 6 submitters: Uncertain significance (2); Likely benign (4). Last evaluated 2025-08-06.

Conditions:
Hereditary cancer-predisposing syndrome. Also called: Tumor predisposition; Hereditary Cancer Syndrome; Hereditary neoplastic syndrome; Neoplastic Syndromes, Hereditary. Identifiers: Orphanet 140162, MedGen C0027672, MeSH D009386, MONDO:0015356.
Familial cancer of breast. Also called: BREAST CANCER, FAMILIAL; hereditary breast carcinoma; Hereditary breast cancer. Identifiers: Orphanet 227535, MedGen C0346153, MONDO:0016419, OMIM 114480. Disease mechanism: loss of function.

Allele frequency attached by ClinVar (database versions not stated): TOPMed below 0.00001; gnomAD 0.00001.
gnomAD v4.1: 1 of 1,614,018 alleles (0.000062%); highest among the groups gnomAD compares: African/African-American, 0.0013%; no homozygotes.

Submissions (6):

Quest Diagnostics Nichols Institute San Juan Capistrano
Classification: Uncertain significance. Last evaluated: 2025-08-06. Review status: criteria provided, single submitter. Criteria: Quest Diagnostics criteria. Collection method: clinical testing. Allele origin: unknown.
Comment: The CHEK2 c.445-4T>C variant has not been reported in individuals with CHEK2-related conditions in the published literature. The frequency of this variant in the general population (Genome Aggregation Database) is uninformative in the assessment of its pathogenicity. Analysis of this variant using software algorithms for the prediction of the effect of nucleotide changes on splicing yielded predictions that this variant does not affect CHEK2 mRNA splicing. Based on the available information, we are unable to determine the clinical significance of this variant.

Myriad Genetics, Inc.
Classification: Likely benign for Familial cancer of breast. Last evaluated: 2024-10-02. Review status: criteria provided, single submitter. Criteria: Myriad Autosomal Dominant, Autosomal Recessive and X-Linked Classification Criteria (2023). Collection method: clinical testing. Allele origin: unknown.
Comment: This variant is considered likely benign. This variant is intronic and is not expected to impact mRNA splicing.

Labcorp Genetics (formerly Invitae), Labcorp
Classification: Likely benign for Familial cancer of breast. Last evaluated: 2023-04-26. Review status: criteria provided, single submitter. Criteria: Invitae Variant Classification Sherloc (09022015). Collection method: clinical testing. Allele origin: germline.

Ambry Genetics
Classification: Likely benign for Hereditary cancer-predisposing syndrome. Last evaluated: 2022-10-03. Review status: criteria provided, single submitter. Criteria: Ambry Variant Classification Scheme 2023. Collection method: clinical testing. Allele origin: germline.

Blueprint Genetics
Classification: Likely benign. Last evaluated: 2022-07-15. Review status: criteria provided, single submitter. Criteria: ACMG Guidelines, 2015. Collection method: clinical testing. Allele origin: germline.

GeneDx
Classification: Uncertain significance. Last evaluated: 2016-08-15. Review status: criteria provided, single submitter. Criteria: GeneDx Variant Classification (06012015). Collection method: clinical testing. Allele origin: germline. Affected: yes.
Comment: This variant is denoted CHEK2 c.445-4T>C or IVS3-4T>C and consists of a T>C nucleotide substitution at the -4 position of intron 3 of the CHEK2 gene. This variant is not predicted to cause abnormal splicing; however, in the absence of RNA or functional studies, the actual effect of this variant is unknown. This variant has not, to our knowledge, been published in the literature as pathogenic or benign. CHEK2 c.445-4T>C was not observed in approximately 6,500 individuals of European and African American ancestry in the NHLBI Exome Sequencing Project, suggesting it is not a common benign variant in these populations. The thymine (T) nucleotide that is altered is conserved through mammals. Based on currently available information, it is unclear whether CHEK2 c.445-4T>C is pathogenic or benign. We consider it to be a variant of uncertain significance.

NM_007194.4(CHEK2):c.445-4T>C

Gene: CHEK2 (checkpoint kinase 2; minus strand). Cytogenetic location: 22q12.1.
Variant type: single nucleotide variant.
Coding change: c.445-4T>C on transcript NM_007194.4 (MANE Select); 4 bases into the intron before coding-DNA position 445, T replaced by C.
Molecular consequence: intron variant.
Genome position (GRCh38, 1-based): chr22:28,725,128, A>G on the plus strand (T>C on the coding strand, the complement: CHEK2 is on the minus strand). VCF-style: chr22-28725128-A-G. GRCh37 (hg19) VCF-style: chr22-29121116-A-G.
Other names: c.-219-4T>C (NM_001437942.1); c.444+115T>C (NM_001349956.3); c.445-4T>C (NM_145862.3); c.-333-4T>C (NM_001257387.3); c.538-4T>C (NM_001438295.1, NM_001438293.1); c.574-4T>C (NM_001438294.1, NM_001005735.3).
Identifiers: ClinVar variation 421986 (VCV000421986.19), dbSNP rs1064795487, ClinGen allele CA16621077.